The following is an entry in ClinVar:

NM_003052.5(SLC34A1):c.420C>T (p.Asn140=)

Gene: SLC34A1 (solute carrier family 34 member 1; plus strand). Cytogenetic location: 5q35.3.
Variant type: single nucleotide variant.
Coding change: c.420C>T on transcript NM_003052.5 (MANE Select); coding-DNA position 420, C replaced by T.
Protein change: p.Asn140=; no amino-acid change (asparagine 140 retained).
Molecular consequence: synonymous variant.
Genome position (GRCh38, 1-based): chr5:177,386,454, C>T. VCF-style: chr5-177386454-C-T. GRCh37 (hg19) VCF-style: chr5-176813455-C-T.
Other names: c.420C>T, p.Asn140= (NM_001167579.2).
Identifiers: ClinVar variation 1130822 (VCV001130822.28), dbSNP rs200188041, ClinGen allele CA3580382.

ClinVar aggregate classification (germline): Likely benign. Review status: criteria provided, multiple submitters, no conflicts (2 of 4 stars). 3 submissions from 3 submitters: Likely benign (3). Last evaluated 2024-06-01.

Conditions:
Hypercalcemia, infantile, 2 (HCINF2). Identifiers: Orphanet 300547, MedGen C4310473, MONDO:0014851, OMIM 616963.
Hypophosphatemic nephrolithiasis/osteoporosis 1. Identifiers: Orphanet 244305, MedGen C2676786, MONDO:0012850, OMIM 612286.
Fanconi renotubular syndrome 2 (FRTS2). Identifiers: MedGen C3150652, MONDO:0013247, OMIM 613388.

Allele frequency attached by ClinVar (database versions not stated): ExAC 0.00006; gnomAD 0.00006; gnomAD exomes 0.00008 and 0.00009; TOPMed 0.00008; 1000 Genomes Project 30x 0.00016; 1000 Genomes Project 0.00020.
gnomAD v4.1: 145 of 1,614,098 alleles (0.009%); highest among the groups gnomAD compares: Non-Finnish European, 0.011%; no homozygotes.

Submissions (3):

CeGaT Center for Human Genetics Tuebingen
Classification: Likely benign. Last evaluated: 2024-06-01. Review status: criteria provided, single submitter. Criteria: CeGaT Center For Human Genetics Tuebingen Variant Classification Criteria Version 2. Collection method: clinical testing. Allele origin: germline. Affected: yes. Observed: 1 variant allele.
Comment: SLC34A1: BP4, BP7

Labcorp Genetics (formerly Invitae), Labcorp
Classification: Likely benign. Last evaluated: 2023-11-27. Review status: criteria provided, single submitter. Criteria: Invitae Variant Classification Sherloc (09022015). Collection method: clinical testing. Allele origin: germline.

Fulgent Genetics
Classification: Likely benign for Hypophosphatemic nephrolithiasis/osteoporosis 1; Fanconi renotubular syndrome 2; Hypercalcemia, infantile, 2. Last evaluated: 2021-08-13. Review status: criteria provided, single submitter. Criteria: ACMG Guidelines, 2015. Collection method: clinical testing. Allele origin: unknown.